The following is an entry in ClinVar:

ClinVar aggregate classification (germline): Pathogenic. Review status: criteria provided, single submitter (1 of 4 stars). 2 submissions from 2 submitters: Pathogenic (1). 1 of the submissions does not count toward it. Last evaluated 2025-01-24.

Conditions:
COL1A1-related disorder. Also called: COL1A1- related disease; COL1A1-related condition.
Osteogenesis imperfecta type I (OI1). Also called: OI, TYPE I; OSTEOGENESIS IMPERFECTA TARDA; OSTEOGENESIS IMPERFECTA WITH BLUE SCLERAE; Osteogenesis imperfecta type 1; Lobstein's Disease; Lobstein disease. Identifiers: Orphanet 216796, Orphanet 666, MedGen C0023931, MONDO:0008146, OMIM 166200. Disease mechanism: loss of function.

Submissions (2):

Labcorp Genetics (formerly Invitae), Labcorp
Classification: Pathogenic for Osteogenesis imperfecta type I. Last evaluated: 2025-01-24. Review status: criteria provided, single submitter. Criteria: Invitae Variant Classification Sherloc (09022015). Collection method: clinical testing. Allele origin: germline.
Comment: This sequence change creates a premature translational stop signal (p.Lys1236Alafs*92) in the COL1A1 gene. It is expected to result in an absent or disrupted protein product. Loss-of-function variants in COL1A1 are known to be pathogenic (PMID: 7942841, 9295084, 9443882). This variant is not present in population databases (gnomAD no frequency). This variant has not been reported in the literature in individuals affected with COL1A1-related conditions. ClinVar contains an entry for this variant (Variation ID: 3344951). For these reasons, this variant has been classified as Pathogenic.

PreventionGenetics, part of Exact Sciences
Classification: Likely pathogenic for COL1A1-related condition. Last evaluated: 2024-06-02. Review status: no assertion criteria provided. Collection method: clinical testing. Allele origin: germline. Not counted in ClinVar's aggregate classification.
Comment: The COL1A1 c.3706_3715del10 variant is predicted to result in a frameshift and premature protein termination (p.Lys1236Alafs*92). To our knowledge, this variant has not been reported in the literature or in a large population database, indicating this variant is rare. Frameshift variants in COL1A1 are expected to be pathogenic. This variant is interpreted as likely pathogenic.

Literature cited by the submitters: PubMed 7942841 (cited by Labcorp Genetics (formerly Invitae), Labcorp); PubMed 9295084 (cited by Labcorp Genetics (formerly Invitae), Labcorp); PubMed 9443882 (cited by Labcorp Genetics (formerly Invitae), Labcorp).

NM_000088.4(COL1A1):c.3706_3715del (p.Lys1236fs)

Gene: COL1A1 (collagen type I alpha 1 chain; minus strand). Cytogenetic location: 17q21.33.
Variant type: Deletion.
Coding change: c.3706_3715del on transcript NM_000088.4 (MANE Select); coding-DNA positions 3706 to 3715, 10 bases deleted (AAGAGCCTGA; older notation c.3706_3715delAAGAGCCTGA).
Protein change: p.Lys1236fs; shifts the reading frame from lysine 1236.
Molecular consequence: frameshift variant.
Genome position (GRCh38, 1-based): chr17:50,186,739-50,186,748, TCAGGCTCTT deleted on the plus strand (AAGAGCCTGA on the coding strand, the reverse complement: COL1A1 is on the minus strand). VCF-style (leftmost placement, unchanged base first): chr17-50186738-CTCAGGCTCTT-C. GRCh37 (hg19) VCF-style: chr17-48264099-CTCAGGCTCTT-C.
Other names: c.3706_3715del10 (NM_000088.3); short protein forms K1236fs.
Identifiers: ClinVar variation 3344951 (VCV003344951.3).